The following is an entry in ClinVar:

NM_003052.5(SLC34A1):c.645-1G>C

Gene: SLC34A1 (solute carrier family 34 member 1; plus strand). Cytogenetic location: 5q35.3.
Variant type: single nucleotide variant.
Coding change: c.645-1G>C on transcript NM_003052.5 (MANE Select); the canonical splice acceptor site of the intron before coding-DNA position 645, G replaced by C.
Molecular consequence: splice acceptor variant.
Genome position (GRCh38, 1-based): chr5:177,387,993, G>C. VCF-style: chr5-177387993-G-C. GRCh37 (hg19) VCF-style: chr5-176814994-G-C.
Other names: c.645-1G>C (NM_001167579.2).
Identifiers: ClinVar variation 4995121 (VCV004995121.1).

ClinVar aggregate classification (germline): Likely pathogenic (1 of 4 stars; one submission).

Conditions:
SLC34A1-related disorder. Also called: SLC34A1-related condition; SLC34A1-related disorders.

Submission:

PreventionGenetics, part of Exact Sciences
Classification: Likely pathogenic for SLC34A1-related condition. Last evaluated: 2025-12-03. Review status: criteria provided, single submitter. Criteria: ACMG Guidelines, 2015. Collection method: clinical testing. Allele origin: germline.
Comment: The SLC34A1 c.645-1G>C variant is predicted to disrupt the AG splice acceptor site and interfere with normal splicing. To our knowledge, this variant has not been reported in the literature. This variant is reported in 0.0062% of alleles in individuals of African descent in gnomAD. Variants that disrupt the consensus splice acceptor site in SLC34A1 are expected to be pathogenic. This variant is interpreted as likely pathogenic.